The following is an entry in ClinVar:

ClinVar aggregate classification (germline): Uncertain significance. Review status: criteria provided, single submitter (1 of 4 stars). 2 submissions from 2 submitters: Uncertain significance (1). 1 of the submissions does not count toward it. Last evaluated 2025-06-08.

Allele frequency attached by ClinVar (database versions not stated): TOPMed 0.00002; ExAC 0.00006; gnomAD exomes 0.00006.
gnomAD v4.1: 76 of 1,613,856 alleles (0.0047%); highest among the groups gnomAD compares: East Asian, 0.056%; no homozygotes.

Submissions (2):

Labcorp Genetics (formerly Invitae), Labcorp
Classification: Uncertain significance. Last evaluated: 2025-06-08. Review status: criteria provided, single submitter. Criteria: Invitae Variant Classification Sherloc (09022015). Collection method: clinical testing. Allele origin: germline.
Comment: This sequence change replaces arginine, which is basic and polar, with tryptophan, which is neutral and slightly polar, at codon 205 of the TGFB1 protein (p.Arg205Trp). This variant is present in population databases (rs199882566, gnomAD 0.03%). This variant has not been reported in the literature in individuals affected with TGFB1-related conditions. ClinVar contains an entry for this variant (Variation ID: 1049659). Invitae Evidence Modeling of protein sequence and biophysical properties (such as structural, functional, and spatial information, amino acid conservation, physicochemical variation, residue mobility, and thermodynamic stability) indicates that this missense variant is not expected to disrupt TGFB1 protein function with a negative predictive value of 80%. In summary, the available evidence is currently insufficient to determine the role of this variant in disease. Therefore, it has been classified as a Variant of Uncertain Significance.

Department of Pathology and Laboratory Medicine, Sinai Health System
Classification: Uncertain significance. Review status: no assertion criteria provided. Collection method: clinical testing. Allele origin: unknown. Affected: yes. Study: The Canadian Open Genetics Repository (COGR). Not counted in ClinVar's aggregate classification.
Comment: The TGFB1 p.R205W variant was not identified in the literature nor was it identified in ClinVar. The variant was identified in dbSNP (ID: rs199882566) and in control databases in 15 of 282004 chromosomes at a frequency of 0.00005319 (Genome Aggregation Database March 6, 2019, v2.1.1). The p.R205 residue is conserved in mammals and computational analyses (MUT Assesor, PolyPhen-2, SIFT, MutationTaster, Revel, FATHMM, MetaLR, DANN) provide inconsistent predictions regarding the impact to the protein; this information is not very predictive of pathogenicity. The variant occurs outside of the splicing consensus sequence and in silico or computational prediction software programs (Splice AI exome) do not predict a deleterious effect on splicing. In summary, based on the above information the clinical significance of this variant cannot be determined with certainty at this time. This variant is classified as a variant of uncertain significance.

NM_000660.7(TGFB1):c.613C>T (p.Arg205Trp)

Gene: TGFB1 (transforming growth factor beta 1; minus strand). Cytogenetic location: 19q13.2.
Variant type: single nucleotide variant.
Coding change: c.613C>T on transcript NM_000660.7 (MANE Select); coding-DNA position 613, C replaced by T.
Protein change: p.Arg205Trp; replaces arginine 205 with tryptophan.
Molecular consequence: missense variant.
Genome position (GRCh38, 1-based): chr19:41,344,768, G>A on the plus strand (C>T on the coding strand, the complement: TGFB1 is on the minus strand). VCF-style: chr19-41344768-G-A. GRCh37 (hg19) VCF-style: chr19-41850673-G-A.
Other names: short protein forms R205W.
Identifiers: ClinVar variation 1049659 (VCV001049659.7), dbSNP rs199882566, ClinGen allele CA9460054.
Genomic context (GRCh38, chr19:41,344,768, plus strand): 5'-CAGGGAGAAACAGGGGTGGGACACACAAGTAATCCTCACCTCCACGGCTCAACCACTGCC[G>A]CACAACTCCGGTGACATCAAAAGATAACCACTCTGGCGAGTCGCTGGGTGCCAGCAGCCG-3'
Protein context (NP_000651.3, residues 195-215): WLSFDVTGVV[Arg205Trp]QWLSRGGEIE